The following is an entry in ClinVar:

ClinVar aggregate classification (germline): Uncertain significance (1 of 4 stars; one submission).

Conditions:
Duchenne muscular dystrophy (DMD). Also called: Duchenne Muscular Dystrophy (DMD); MUSCULAR DYSTROPHY, PSEUDOHYPERTROPHIC PROGRESSIVE, DUCHENNE TYPE. Identifiers: Orphanet 98896, MedGen C0013264, MONDO:0010679, OMIM 310200.

Submission:

Labcorp Genetics (formerly Invitae), Labcorp
Classification: Uncertain significance for Duchenne muscular dystrophy. Last evaluated: 2025-07-15. Review status: criteria provided, single submitter. Criteria: Invitae Variant Classification Sherloc (09022015). Collection method: clinical testing. Allele origin: germline.
Comment: This sequence change replaces threonine, which is neutral and polar, with alanine, which is neutral and non-polar, at codon 1129 of the DMD protein (p.Thr1129Ala). This variant is not present in population databases (gnomAD no frequency). This variant has not been reported in the literature in individuals affected with DMD-related conditions. Invitae Evidence Modeling of protein sequence and biophysical properties (such as structural, functional, and spatial information, amino acid conservation, physicochemical variation, residue mobility, and thermodynamic stability) indicates that this missense variant is not expected to disrupt DMD protein function with a negative predictive value of 95%. In summary, the available evidence is currently insufficient to determine the role of this variant in disease. Therefore, it has been classified as a Variant of Uncertain Significance.

NM_004006.3(DMD):c.3385A>G (p.Thr1129Ala)

Gene: DMD (dystrophin; minus strand). Cytogenetic location: Xp21.1.
Variant type: single nucleotide variant.
Coding change: c.3385A>G on transcript NM_004006.3 (MANE Select); coding-DNA position 3385, A replaced by G.
Protein change: p.Thr1129Ala; replaces threonine 1129 with alanine.
Molecular consequence: missense variant.
Genome position (GRCh38, 1-based): chrX:32,463,486, T>C on the plus strand (A>G on the coding strand, the complement: DMD is on the minus strand). VCF-style: chrX-32463486-T-C. GRCh37 (hg19) VCF-style: chrX-32481603-T-C.
Other names: c.3361A>G, p.Thr1121Ala (NM_000109.4); c.3373A>G, p.Thr1125Ala (NM_004009.3); c.3016A>G, p.Thr1006Ala (NM_004010.3); short protein forms T1006A, T1121A, T1125A, T1129A.
Identifiers: ClinVar variation 4800972 (VCV004800972.1).
Genomic context (GRCh38, chrX:32,463,486, plus strand): 5'-AGATTGTCTATACCTGTTGGCACATGTGATCCCACTGAGTGTTAAGTTCTTTGAGTTCTG[T>C]CTCAAGTCTCGAAGCAAACTCTGGCTCTGCTTCATTCTTTATCTTCTGCCCACCTTCATT-3'
Protein context (NP_003997.2, residues 1119-1139): AEPEFASRLE[Thr1129Ala]ELKELNTQWD